The following is an entry in ClinVar:

NM_001242896.3(DEPDC5):c.2290del (p.Gln764fs)

Gene: DEPDC5 (DEP domain containing 5, GATOR1 subcomplex subunit; plus strand). Cytogenetic location: 22q12.3.
Variant type: Deletion.
Coding change: c.2290del on transcript NM_001242896.3 (MANE Select); coding-DNA position 2290, one base deleted (C; older notation c.2290delC).
Protein change: p.Gln764fs; shifts the reading frame from glutamine 764.
Molecular consequence: frameshift variant. On other transcripts: non-coding transcript variant (4).
Genome position (GRCh38, 1-based): chr22:31,837,091, C deleted; the last of 2 consecutive C bases (chr22:31,837,090-31,837,091); deleting either gives the same sequence. VCF-style (leftmost placement, unchanged base first): chr22-31837089-GC-G. GRCh37 (hg19) VCF-style: chr22-32233075-GC-G.
Other names: c.2263del, p.Gln755fs (NM_001136029.4, NM_001369903.1, NM_014662.6); c.2056del, p.Gln686fs (NM_001242897.2, NM_001363854.2, NM_001364319.2); c.2290del, p.Gln764fs (NM_001363852.2, NM_001364318.2, NM_001364320.2); c.2206del, p.Gln736fs (NM_001369901.1, NM_001369902.1); short protein forms Q686fs, Q755fs, Q764fs, Q736fs.
Identifiers: ClinVar variation 3649430 (VCV003649430.2).
Genomic context (GRCh38, chr22:31,837,089, plus strand): 5'-ACTGGAAGTCTCTCACTACTCCGGCGTGCCTCCCCCTTACCACCGACTACTTCCCTGACC[GC>G]CAGGGCCTGCAGAATGACTACACAGAGGGCTGTTATGATCTCCTTCCAGAAGCAGACATC-3'

ClinVar aggregate classification (germline): Pathogenic (1 of 4 stars; one submission).

Conditions:
Familial focal epilepsy with variable foci (FPEVF). Identifiers: Orphanet 98820, MedGen C1858477, MONDO:0020310.

Submission:

Labcorp Genetics (formerly Invitae), Labcorp
Classification: Pathogenic for Familial focal epilepsy with variable foci. Last evaluated: 2025-12-08. Review status: criteria provided, single submitter. Criteria: Invitae Variant Classification Sherloc (09022015). Collection method: clinical testing. Allele origin: germline.
Comment: This sequence change creates a premature translational stop signal (p.Gln764Argfs*30) in the DEPDC5 gene. It is expected to result in an absent or disrupted protein product. Loss-of-function variants in DEPDC5 are known to be pathogenic (PMID: 23542697, 23542701). This variant is not present in population databases (gnomAD no frequency). This variant has not been reported in the literature in individuals affected with DEPDC5-related conditions. ClinVar contains an entry for this variant (Variation ID: 3649430). Algorithms developed to predict the effect of sequence changes on RNA splicing suggest that this variant may create or strengthen a splice site. For these reasons, this variant has been classified as Pathogenic.

Literature cited by the submitters: PubMed 23542697; PubMed 23542701.